The following is an entry in ClinVar:

NM_006218.4(PIK3CA):c.1766A>G (p.Asp589Gly)

Gene: PIK3CA (phosphatidylinositol-4,5-bisphosphate 3-kinase catalytic subunit alpha; plus strand). Cytogenetic location: 3q26.32.
Variant type: single nucleotide variant.
Coding change: c.1766A>G on transcript NM_006218.4 (MANE Select); coding-DNA position 1766, A replaced by G.
Protein change: p.Asp589Gly; replaces aspartic acid 589 with glycine.
Molecular consequence: missense variant.
Genome position (GRCh38, 1-based): chr3:179,219,590, A>G. VCF-style: chr3-179219590-A-G. GRCh37 (hg19) VCF-style: chr3-178937378-A-G.
Other names: c.1766A>G (LRG_310t1); short protein forms D589G.
Identifiers: ClinVar variation 403910 (VCV000403910.7), dbSNP rs1060500028, ClinGen allele CA16611386.

ClinVar aggregate classification (germline): Uncertain significance (1 of 4 stars; one submission).

Conditions:
Cowden syndrome (CS). Also called: Cowden's disease; Cowden's syndrome; Cowden disease. Identifiers: Orphanet 201, MedGen C0018553, MONDO:0016063. Disease mechanism: gain of function.

Submission:

Labcorp Genetics (formerly Invitae), Labcorp
Classification: Uncertain significance for Cowden syndrome. Last evaluated: 2016-05-12. Review status: criteria provided, single submitter. Criteria: Invitae Variant Classification Sherloc (09022015). Collection method: clinical testing. Allele origin: germline.
Comment: This variant is not present in population databases (ExAC no frequency) and has not been reported in the literature in individuals with a PIK3CA-related disease. This sequence change replaces aspartic acid with glycine at codon 589 of the PIK3CA protein (p.Asp589Gly). The aspartic acid residue is moderately conserved and there is a moderate physicochemical difference between aspartic acid and glycine. Algorithms developed to predict the effect of missense changes on protein structure and function (SIFT, PolyPhen-2, Align-GVGD) all suggest that this variant is likely to be tolerated, but these predictions have not been confirmed by published functional studies. Algorithms developed to predict the effect of sequence changes on mRNA splicing suggest that this variant may alter mRNA splicing, but this prediction has not been confirmed by published transcriptional studies. In summary, this variant is a novel missense change with uncertain impact on protein function. It has been classified as a Variant of Uncertain Significance.